The following is an entry in ClinVar:

ClinVar aggregate classification (germline): Uncertain significance (1 of 4 stars; one submission).

Submission:

Labcorp Genetics (formerly Invitae), Labcorp
Classification: Uncertain significance. Last evaluated: 2025-03-31. Review status: criteria provided, single submitter. Criteria: Invitae Variant Classification Sherloc (09022015). Collection method: clinical testing. Allele origin: germline.
Comment: This sequence change replaces aspartic acid, which is acidic and polar, with asparagine, which is neutral and polar, at codon 696 of the CDH3 protein (p.Asp696Asn). This variant is not present in population databases (gnomAD no frequency). This variant has not been reported in the literature in individuals affected with CDH3-related conditions. ClinVar contains an entry for this variant (Variation ID: 1050935). Invitae Evidence Modeling of protein sequence and biophysical properties (such as structural, functional, and spatial information, amino acid conservation, physicochemical variation, residue mobility, and thermodynamic stability) indicates that this missense variant is expected to disrupt CDH3 protein function with a positive predictive value of 80%. In summary, the available evidence is currently insufficient to determine the role of this variant in disease. Therefore, it has been classified as a Variant of Uncertain Significance.

NM_001793.6(CDH3):c.2086G>A (p.Asp696Asn)

Gene: CDH3 (cadherin 3; plus strand). Cytogenetic location: 16q22.1.
Variant type: single nucleotide variant.
Coding change: c.2086G>A on transcript NM_001793.6 (MANE Select); coding-DNA position 2086, G replaced by A.
Protein change: p.Asp696Asn; replaces aspartic acid 696 with asparagine.
Molecular consequence: missense variant.
Genome position (GRCh38, 1-based): chr16:68,695,338, G>A. VCF-style: chr16-68695338-G-A. GRCh37 (hg19) VCF-style: chr16-68729241-G-A.
Other names: c.2086G>A, p.Asp696Asn (NM_001317195.3); c.1921G>A, p.Asp641Asn (NM_001317196.2); short protein forms D641N, D696N.
Identifiers: ClinVar variation 1050935 (VCV001050935.9), dbSNP rs772658605, ClinGen allele CA396456034.